The following is an entry in ClinVar:

NM_002334.4(LRP4):c.3067C>T (p.Pro1023Ser)

Gene: LRP4 (LDL receptor related protein 4; minus strand). Cytogenetic location: 11p11.2.
Variant type: single nucleotide variant.
Coding change: c.3067C>T on transcript NM_002334.4 (MANE Select); coding-DNA position 3067, C replaced by T.
Protein change: p.Pro1023Ser; replaces proline 1023 with serine.
Molecular consequence: missense variant.
Genome position (GRCh38, 1-based): chr11:46,878,976, G>A on the plus strand (C>T on the coding strand, the complement: LRP4 is on the minus strand). VCF-style: chr11-46878976-G-A. GRCh37 (hg19) VCF-style: chr11-46900527-G-A.
Other names: short protein forms P1023S.
Identifiers: ClinVar variation 859974 (VCV000859974.11), dbSNP rs201695857, ClinGen allele CA5969706.

ClinVar aggregate classification (germline): Uncertain significance. Review status: criteria provided, multiple submitters, no conflicts (2 of 4 stars). 3 submissions from 3 submitters: Uncertain significance (3). Last evaluated 2025-05-06.

Conditions:
Cenani-Lenz syndactyly syndrome. Also called: CENANI SYNDACTYLISM; SYNDACTYLY, TYPE VII. Identifiers: Orphanet 3258, MedGen C1859309, MONDO:0008931, OMIM 212780.
Sclerosteosis 2 (SOST2). Identifiers: Orphanet 3152, MedGen C3280402, MONDO:0013679, OMIM 614305.
Congenital myasthenic syndrome 17. Identifiers: Orphanet 590, MedGen C4225377, MONDO:0014578, OMIM 616304.
Inborn genetic diseases. Identifiers: MedGen C0950123, MeSH D030342.

Allele frequency attached by ClinVar (database versions not stated): ExAC 0.00003; gnomAD 0.00001 and 0.00002; gnomAD exomes 0.00002; TOPMed 0.00002; 1000 Genomes Project 30x 0.00016; 1000 Genomes Project 0.00020.
gnomAD v4.1: 30 of 1,614,242 alleles (0.0019%); highest among the groups gnomAD compares: Non-Finnish European, 0.0023%; no homozygotes.

Submissions (3):

Ambry Genetics
Classification: Uncertain significance for Inborn genetic diseases. Last evaluated: 2025-05-06. Review status: criteria provided, single submitter. Criteria: Ambry Variant Classification Scheme 2023. Collection method: clinical testing. Allele origin: germline.

Fulgent Genetics
Classification: Uncertain significance for Cenani-Lenz syndactyly syndrome; Sclerosteosis 2; Congenital myasthenic syndrome 17. Last evaluated: 2021-09-09. Review status: criteria provided, single submitter. Criteria: ACMG Guidelines, 2015. Collection method: clinical testing. Allele origin: unknown.

Labcorp Genetics (formerly Invitae), Labcorp
Classification: Uncertain significance for Cenani-Lenz syndactyly syndrome; Sclerosteosis 2; Congenital myasthenic syndrome 17. Last evaluated: 2019-03-13. Review status: criteria provided, single submitter. Criteria: Invitae Variant Classification Sherloc (09022015). Collection method: clinical testing. Allele origin: germline.
Comment: This sequence change replaces proline with serine at codon 1023 of the LRP4 protein (p.Pro1023Ser). The proline residue is highly conserved and there is a moderate physicochemical difference between proline and serine. This variant is present in population databases (rs201695857, ExAC 0.03%). This variant has not been reported in the literature in individuals with LRP4-related conditions. Algorithms developed to predict the effect of missense changes on protein structure and function are either unavailable or do not agree on the potential impact of this missense change (SIFT: "Deleterious"; PolyPhen-2: "Benign"; Align-GVGD: "Class C65"). In summary, the available evidence is currently insufficient to determine the role of this variant in disease. Therefore, it has been classified as a Variant of Uncertain Significance.